The following is an entry in ClinVar:

ClinVar aggregate classification (germline): Conflicting classifications of pathogenicity. Review status: criteria provided, conflicting classifications (1 of 4 stars). 2 submissions from 2 submitters: Likely pathogenic (1); Uncertain significance (1). Last evaluated 2025-09-24.

Conditions:
Finnish congenital nephrotic syndrome (NPHS1). Also called: NEPHROTIC SYNDROME, TYPE 1. Identifiers: Orphanet 839, MedGen C0403399, MONDO:0009732, OMIM 256300.

gnomAD v4.1: 1 of 1,613,258 alleles (0.000062%); highest among the groups gnomAD compares: Non-Finnish European, 0.000085%; no homozygotes.

Submissions (2):

Myriad Genetics, Inc.
Classification: Uncertain significance for Finnish congenital nephrotic syndrome. Last evaluated: 2025-09-24. Review status: criteria provided, single submitter. Criteria: Myriad Autosomal Dominant, Autosomal Recessive and X-Linked Classification Criteria (2023). Collection method: clinical testing. Allele origin: unknown.
Comment: NM_004646.3(NPHS1):c.287T>A(L96Q) is a missense variant classified as a variant of uncertain significance in the context of nephrotic syndrome, NPHS1-related. L96Q has not been observed in cases with relevant disease. Relevant functional assessments of this variant are not available in the literature. L96Q has not been observed in referenced population frequency databases. In summary, there is insufficient evidence to classify NM_004646.3(NPHS1):c.287T>A(L96Q) as pathogenic or benign. Please note: this variant was assessed in the context of healthy population screening.

Labcorp Genetics (formerly Invitae), Labcorp
Classification: Likely pathogenic. Last evaluated: 2022-11-04. Review status: criteria provided, single submitter. Criteria: Invitae Variant Classification Sherloc (09022015). Collection method: clinical testing. Allele origin: germline.
Comment: This sequence change replaces leucine, which is neutral and non-polar, with glutamine, which is neutral and polar, at codon 96 of the NPHS1 protein (p.Leu96Gln). This variant is not present in population databases (gnomAD no frequency). This variant has not been reported in the literature in individuals affected with NPHS1-related conditions. Advanced modeling of protein sequence and biophysical properties (such as structural, functional, and spatial information, amino acid conservation, physicochemical variation, residue mobility, and thermodynamic stability) performed at Invitae indicates that this missense variant is expected to disrupt NPHS1 protein function. This variant disrupts the p.Leu96 amino acid residue in NPHS1. Other variant(s) that disrupt this residue have been determined to be pathogenic (PMID: 18614772). This suggests that this residue is clinically significant, and that variants that disrupt this residue are likely to be disease-causing. In summary, the currently available evidence indicates that the variant is pathogenic, but additional data are needed to prove that conclusively. Therefore, this variant has been classified as Likely Pathogenic.

Literature cited by the submitters: PubMed 18614772 (cited by Labcorp Genetics (formerly Invitae), Labcorp).

NM_004646.4(NPHS1):c.287T>A (p.Leu96Gln)

Gene: NPHS1 (NPHS1 adhesion molecule, nephrin; minus strand). Cytogenetic location: 19q13.12.
Variant type: single nucleotide variant.
Coding change: c.287T>A on transcript NM_004646.4 (MANE Select); coding-DNA position 287, T replaced by A.
Protein change: p.Leu96Gln; replaces leucine 96 with glutamine.
Molecular consequence: missense variant.
Genome position (GRCh38, 1-based): chr19:35,851,372, A>T on the plus strand (T>A on the coding strand, the complement: NPHS1 is on the minus strand). VCF-style: chr19-35851372-A-T. GRCh37 (hg19) VCF-style: chr19-36342274-A-T.
Other names: short protein forms L96Q.
Identifiers: ClinVar variation 2811928 (VCV002811928.4), dbSNP rs2513785174, ClinGen allele CA405411125.